The following is an entry in ClinVar:

ClinVar aggregate classification (germline): Likely benign. Review status: criteria provided, multiple submitters, no conflicts (2 of 4 stars). 5 submissions from 5 submitters: Likely benign (5). Last evaluated 2026-02-02.

Conditions:
Inborn genetic diseases. Identifiers: MedGen C0950123, MeSH D030342.
Congenital factor V deficiency. Also called: Hereditary factor V deficiency disease; OWREN PARAHEMOPHILIA; PARAHEMOPHILIA; LABILE FACTOR DEFICIENCY. Identifiers: Orphanet 326, MedGen C0015499, MONDO:0009210, OMIM 227400.

Allele frequency attached by ClinVar (database versions not stated): ExAC 0.00013; gnomAD 0.00016 and 0.00019; gnomAD exomes 0.00016 and 0.00021; 1000 Genomes Project 0.00020; ESP Exome Variant Server 0.00023; TOPMed 0.00026; 1000 Genomes Project 30x 0.00031.
gnomAD v4.1: 334 of 1,614,026 alleles (0.021%); highest among the groups gnomAD compares: Admixed American, 0.027%; no homozygotes.

Submissions (5):

Labcorp Genetics (formerly Invitae), Labcorp
Classification: Likely benign for Congenital factor V deficiency. Last evaluated: 2026-02-02. Review status: criteria provided, single submitter. Criteria: Invitae Variant Classification Sherloc (09022015). Collection method: clinical testing. Allele origin: germline.

Mayo Clinic Laboratories, Mayo Clinic
Classification: Likely benign. Last evaluated: 2024-11-27. Review status: criteria provided, single submitter. Criteria: ACMG Guidelines, 2015. Collection method: clinical testing. Allele origin: germline. Observed: 1 variant allele.
Comment: BP4, BP7

Blueprint Genetics
Classification: Likely benign. Last evaluated: 2024-08-01. Review status: criteria provided, single submitter. Criteria: ACMG Guidelines, 2015. Collection method: clinical testing. Allele origin: germline.

Ambry Genetics
Classification: Likely benign for Inborn genetic diseases. Last evaluated: 2022-12-25. Review status: criteria provided, single submitter. Criteria: Ambry Variant Classification Scheme 2023. Collection method: clinical testing. Allele origin: germline.

CeGaT Center for Human Genetics Tuebingen
Classification: Likely benign. Last evaluated: 2019-05-01. Review status: criteria provided, single submitter. Criteria: CeGaT Center For Human Genetics Tuebingen Variant Classification Criteria Version 2. Collection method: clinical testing. Allele origin: germline. Affected: yes. Observed: 1 variant allele.

NM_000130.5(F5):c.4641T>C (p.Asp1547=)

Gene: F5 (coagulation factor V; minus strand). Cytogenetic location: 1q24.2.
Variant type: single nucleotide variant.
Coding change: c.4641T>C on transcript NM_000130.5 (MANE Select); coding-DNA position 4641, T replaced by C.
Protein change: p.Asp1547=; no amino-acid change (aspartic acid 1547 retained).
Molecular consequence: synonymous variant.
Genome position (GRCh38, 1-based): chr1:169,540,449, A>G on the plus strand (T>C on the coding strand, the complement: F5 is on the minus strand). VCF-style: chr1-169540449-A-G. GRCh37 (hg19) VCF-style: chr1-169509687-A-G.
Other names: p.Asp1547=.
Identifiers: ClinVar variation 711302 (VCV000711302.51), dbSNP rs138504020, ClinGen allele CA1233674.